The following is an entry in ClinVar:

NM_014141.6(CNTNAP2):c.688G>A (p.Gly230Arg)

Gene: CNTNAP2 (contactin associated protein 2; plus strand). Cytogenetic location: 7q35.
Variant type: single nucleotide variant.
Coding change: c.688G>A on transcript NM_014141.6 (MANE Select); coding-DNA position 688, G replaced by A.
Protein change: p.Gly230Arg; replaces glycine 230 with arginine.
Molecular consequence: missense variant.
Genome position (GRCh38, 1-based): chr7:147,108,284, G>A. VCF-style: chr7-147108284-G-A. GRCh37 (hg19) VCF-style: chr7-146805376-G-A.
Other names: short protein forms G230R.
Identifiers: ClinVar variation 856043 (VCV000856043.10), dbSNP rs1178323739, ClinGen allele CA369923224.

ClinVar aggregate classification (germline): Uncertain significance (1 of 4 stars; one submission).

Conditions:
Cortical dysplasia-focal epilepsy syndrome (PTHSL1). Also called: Pitt-Hopkins-like syndrome 1. Identifiers: Orphanet 163681, Orphanet 221150, MedGen C2750246, MONDO:0012400, OMIM 610042.

Submission:

Labcorp Genetics (formerly Invitae), Labcorp
Classification: Uncertain significance for Cortical dysplasia-focal epilepsy syndrome. Last evaluated: 2020-10-01. Review status: criteria provided, single submitter. Criteria: Invitae Variant Classification Sherloc (09022015). Collection method: clinical testing. Allele origin: germline.
Comment: Algorithms developed to predict the effect of missense changes on protein structure and function are either unavailable or do not agree on the potential impact of this missense change (SIFT: "Deleterious"; PolyPhen-2: "Probably Damaging"; Align-GVGD: "Class C0"). This sequence change replaces glycine with arginine at codon 230 of the CNTNAP2 protein (p.Gly230Arg). The glycine residue is moderately conserved and there is a moderate physicochemical difference between glycine and arginine. This variant is not present in population databases (ExAC no frequency). This variant has not been reported in the literature in individuals with CNTNAP2-related conditions. ClinVar contains an entry for this variant (Variation ID: 856043). In summary, the available evidence is currently insufficient to determine the role of this variant in disease. Therefore, it has been classified as a Variant of Uncertain Significance.